The following is an entry in ClinVar:

NM_003613.4(CILP):c.787C>T (p.Arg263Ter)

Gene: CILP (cartilage intermediate layer protein; minus strand). Cytogenetic location: 15q22.31.
Variant type: single nucleotide variant.
Coding change: c.787C>T on transcript NM_003613.4 (MANE Select); coding-DNA position 787, C replaced by T.
Protein change: p.Arg263Ter; replaces arginine 263 with a stop codon.
Molecular consequence: nonsense.
Genome position (GRCh38, 1-based): chr15:65,204,400, G>A on the plus strand (C>T on the coding strand, the complement: CILP is on the minus strand). VCF-style: chr15-65204400-G-A. GRCh37 (hg19) VCF-style: chr15-65496738-G-A.
Other names: short protein forms R263*.
Identifiers: ClinVar variation 930816 (VCV000930816.3), dbSNP rs1301495780, ClinGen allele CA392869809.

ClinVar aggregate classification (germline): Uncertain significance (1 of 4 stars; one submission).

Allele frequency attached by ClinVar (database versions not stated): gnomAD 0.00001; gnomAD exomes 0.00001; TOPMed 0.00003 and 0.00002.

Submission:

Centre for Mendelian Genomics, University Medical Centre Ljubljana
Classification: Uncertain significance. Last evaluated: 2019-11-12. Review status: criteria provided, single submitter. Criteria: ACMG Guidelines, 2015. Collection method: clinical testing. Allele origin: unknown. Affected: yes.
Comment: This variant was classified as: Uncertain significance. The available evidence on this variant's pathogenicity is insufficient or conflicting. The following ACMG criteria were applied in classifying this variant: No criteria apply.